The following is an entry in ClinVar:

ClinVar aggregate classification (germline): Uncertain significance (1 of 4 stars; one submission).

Submission:

GeneDx
Classification: Uncertain significance. Last evaluated: 2022-04-07. Review status: criteria provided, single submitter. Criteria: GeneDx Variant Classification Process June 2021. Collection method: clinical testing. Allele origin: germline. Affected: yes.
Comment: Not observed at significant frequency in large population cohorts (gnomAD); In silico analysis supports that this missense variant does not alter protein structure/function; Has not been previously published as pathogenic or benign to our knowledge

NM_015559.3(SETBP1):c.716C>G (p.Pro239Arg)

Gene: SETBP1 (SET binding protein 1; plus strand). Cytogenetic location: 18q12.3.
Variant type: single nucleotide variant.
Coding change: c.716C>G on transcript NM_015559.3 (MANE Select); coding-DNA position 716, C replaced by G.
Protein change: p.Pro239Arg; replaces proline 239 with arginine.
Molecular consequence: missense variant.
Genome position (GRCh38, 1-based): chr18:44,950,056, C>G. VCF-style: chr18-44950056-C-G. GRCh37 (hg19) VCF-style: chr18-42530021-C-G.
Other names: c.716C>G, p.Pro239Arg (NM_001379141.1, NM_001379142.1, NM_001410862.1); short protein forms P239R.
Identifiers: ClinVar variation 1708806 (VCV001708806.2), dbSNP rs2511464680, ClinGen allele CA402316685.